The following is an entry in ClinVar:

NM_001113491.2(SEPTIN9):c.1380+4G>T

Gene: SEPTIN9 (septin 9; plus strand). Cytogenetic location: 17q25.3.
Variant type: single nucleotide variant.
Coding change: c.1380+4G>T on transcript NM_001113491.2 (MANE Select); 4 bases into the intron after coding-DNA position 1380, G replaced by T.
Molecular consequence: intron variant.
Genome position (GRCh38, 1-based): chr17:77,490,863, G>T. VCF-style: chr17-77490863-G-T. GRCh37 (hg19) VCF-style: chr17-75486945-G-T.
Other names: c.1323+4G>T (NM_001293695.2); c.888+4G>T (NM_001113492.2, NM_001113494.1); c.1326+4G>T (NM_006640.5); c.1359+4G>T (NM_001113493.2); c.708+4G>T (NM_001293696.2); c.627+4G>T (NM_001113496.2, NM_001293697.2, NM_001293698.2 and 1 more transcripts).
Identifiers: ClinVar variation 2445476 (VCV002445476.4), dbSNP rs2510118567, ClinGen allele CA2580095233.

ClinVar aggregate classification (germline): Uncertain significance (1 of 4 stars; one submission).

gnomAD v4.1: 1 of 1,565,032 alleles (0.000064%); highest among the groups gnomAD compares: Non-Finnish European, 0.000087%; no homozygotes.

Submission:

Labcorp Genetics (formerly Invitae), Labcorp
Classification: Uncertain significance. Last evaluated: 2022-06-14. Review status: criteria provided, single submitter. Criteria: Invitae Variant Classification Sherloc (09022015). Collection method: clinical testing. Allele origin: germline.
Comment: In summary, the available evidence is currently insufficient to determine the role of this variant in disease. Therefore, it has been classified as a Variant of Uncertain Significance. Variants that disrupt the consensus splice site are a relatively common cause of aberrant splicing (PMID: 17576681, 9536098). Algorithms developed to predict the effect of sequence changes on RNA splicing suggest that this variant is not likely to affect RNA splicing. This variant has not been reported in the literature in individuals affected with SEPT9-related conditions. This variant is not present in population databases (gnomAD no frequency). This sequence change falls in intron 7 of the SEPT9 gene. It does not directly change the encoded amino acid sequence of the SEPT9 protein. It affects a nucleotide within the consensus splice site.

Literature cited by the submitters: PubMed 17576681; PubMed 9536098.